The following is an entry in ClinVar:

ClinVar aggregate classification (germline): Uncertain significance (1 of 4 stars; one submission).

Conditions:
Charcot-Marie-Tooth disease type 4. Also called: Charcot-Marie-Tooth, Type 4; Charcot-Marie-Tooth disease, type IV. Identifiers: Orphanet 64749, MedGen C4082197, MONDO:0018995.

gnomAD v4.1: 2 of 1,614,180 alleles (0.00012%); highest among the groups gnomAD compares: Non-Finnish European, 0.00017%; no homozygotes.

Submission:

Labcorp Genetics (formerly Invitae), Labcorp
Classification: Uncertain significance for Charcot-Marie-Tooth disease type 4. Last evaluated: 2021-09-18. Review status: criteria provided, single submitter. Criteria: Invitae Variant Classification Sherloc (09022015). Collection method: clinical testing. Allele origin: germline.
Comment: This variant has not been reported in the literature in individuals affected with SH3TC2-related conditions. Advanced modeling of protein sequence and biophysical properties (such as structural, functional, and spatial information, amino acid conservation, physicochemical variation, residue mobility, and thermodynamic stability) performed at Invitae indicates that this missense variant is not expected to disrupt SH3TC2 protein function. In summary, the available evidence is currently insufficient to determine the role of this variant in disease. Therefore, it has been classified as a Variant of Uncertain Significance. This variant is present in population databases (rs141544031, ExAC 0.004%). This sequence change replaces leucine with proline at codon 391 of the SH3TC2 protein (p.Leu391Pro). The leucine residue is highly conserved and there is a moderate physicochemical difference between leucine and proline.

NM_024577.4(SH3TC2):c.1172T>C (p.Leu391Pro)

Gene: SH3TC2 (SH3 domain and tetratricopeptide repeats 2; minus strand). Cytogenetic location: 5q32.
Variant type: single nucleotide variant.
Coding change: c.1172T>C on transcript NM_024577.4 (MANE Select); coding-DNA position 1172, T replaced by C.
Protein change: p.Leu391Pro; replaces leucine 391 with proline.
Molecular consequence: missense variant.
Genome position (GRCh38, 1-based): chr5:149,028,682, A>G on the plus strand (T>C on the coding strand, the complement: SH3TC2 is on the minus strand). VCF-style: chr5-149028682-A-G. GRCh37 (hg19) VCF-style: chr5-148408245-A-G.
Other names: short protein forms L391P.
Identifiers: ClinVar variation 1396256 (VCV001396256.6), dbSNP rs141544031, ClinGen allele CA3499268.